The following is an entry in ClinVar:

ClinVar aggregate classification (germline): Uncertain significance (1 of 4 stars; one submission).

Conditions:
Familial thoracic aortic aneurysm and aortic dissection (TAAD). Also called: Thoracic aortic aneurysms and dissections. Identifiers: Orphanet 91387, MedGen C4707243, MONDO:0019625.

Submission:

Color Diagnostics, LLC DBA Color Health
Classification: Uncertain significance for Familial thoracic aortic aneurysm and aortic dissection. Last evaluated: 2025-07-17. Review status: criteria provided, single submitter. Criteria: ACMG Guidelines, 2015. Collection method: clinical testing. Allele origin: germline.
Comment: This missense variant replaces leucine with valine at codon 271 of the SMAD3 protein. Computational prediction suggests that this variant may have deleterious impact on protein structure and function. To our knowledge, functional studies have not been reported for this variant. This variant has not been reported in individuals affected with SMAD3-related disorders in the literature. This variant has not been identified in the general population by the Genome Aggregation Database (gnomAD). The available evidence is insufficient to determine the role of this variant in disease conclusively. Therefore, this variant is classified as a Variant of Uncertain Significance.

NM_005902.4(SMAD3):c.811C>G (p.Leu271Val)

Gene: SMAD3 (SMAD family member 3; plus strand). Cytogenetic location: 15q22.33.
Variant type: single nucleotide variant.
Coding change: c.811C>G on transcript NM_005902.4 (MANE Select); coding-DNA position 811, C replaced by G.
Protein change: p.Leu271Val; replaces leucine 271 with valine.
Molecular consequence: missense variant.
Genome position (GRCh38, 1-based): chr15:67,181,393, C>G. VCF-style: chr15-67181393-C-G. GRCh37 (hg19) VCF-style: chr15-67473731-C-G.
Other names: c.364C>G, p.Leu122Val (NM_001407015.1); c.496C>G, p.Leu166Val (NM_001407016.1, NM_001145102.2); c.226C>G, p.Leu76Val (NM_001407017.1, NM_001145104.2); c.679C>G, p.Leu227Val (NM_001145103.2, NM_001407012.1); c.811C>G, p.Leu271Val (NM_001407011.1, NM_001407013.1); c.664C>G, p.Leu222Val (NM_001407014.1); short protein forms L122V, L166V, L222V, L227V, L271V, L76V.
Identifiers: ClinVar variation 4757688 (VCV004757688.1).